The following is an entry in ClinVar:

ClinVar aggregate classification (germline): Uncertain significance. Review status: criteria provided, multiple submitters, no conflicts (2 of 4 stars). 3 submissions from 3 submitters: Uncertain significance (3). Last evaluated 2024-05-30.

Conditions:
Hypercalcemia, infantile, 2 (HCINF2). Identifiers: Orphanet 300547, MedGen C4310473, MONDO:0014851, OMIM 616963.
Fanconi renotubular syndrome 2 (FRTS2). Identifiers: MedGen C3150652, MONDO:0013247, OMIM 613388.
Hypophosphatemic nephrolithiasis/osteoporosis 1. Identifiers: Orphanet 244305, MedGen C2676786, MONDO:0012850, OMIM 612286.

Allele frequency attached by ClinVar (database versions not stated): TOPMed 0.00003; gnomAD 0.00005 and 0.00006; ExAC 0.00006; gnomAD exomes 0.00007; 1000 Genomes Project 30x 0.00016; 1000 Genomes Project 0.00020.
gnomAD v4.1: 117 of 1,603,060 alleles (0.0073%); highest among the groups gnomAD compares: East Asian, 0.029%; no homozygotes.

Submissions (3):

Fulgent Genetics
Classification: Uncertain significance for Hypophosphatemic nephrolithiasis/osteoporosis 1; Fanconi renotubular syndrome 2; Hypercalcemia, infantile, 2. Last evaluated: 2024-05-30. Review status: criteria provided, single submitter. Criteria: ACMG Guidelines, 2015. Collection method: clinical testing. Allele origin: germline.

Labcorp Genetics (formerly Invitae), Labcorp
Classification: Uncertain significance. Last evaluated: 2021-08-24. Review status: criteria provided, single submitter. Criteria: Invitae Variant Classification Sherloc (09022015). Collection method: clinical testing. Allele origin: germline.
Comment: This sequence change replaces aspartic acid with tyrosine at codon 209 of the SLC34A1 protein (p.Asp209Tyr). The aspartic acid residue is moderately conserved and there is a large physicochemical difference between aspartic acid and tyrosine. This variant is present in population databases (rs199847351, ExAC 0.06%). This variant has not been reported in the literature in individuals affected with SLC34A1-related conditions. Algorithms developed to predict the effect of missense changes on protein structure and function are either unavailable or do not agree on the potential impact of this missense change (SIFT: "Deleterious"; PolyPhen-2: "Probably Damaging"; Align-GVGD: "Class C0"). Algorithms developed to predict the effect of sequence changes on RNA splicing suggest that this variant may create or strengthen a splice site. In summary, the available evidence is currently insufficient to determine the role of this variant in disease. Therefore, it has been classified as a Variant of Uncertain Significance.

Juno Genomics, Hangzhou Juno Genomics, Inc
Classification: Uncertain significance for Fanconi renotubular syndrome 2; Hypercalcemia, infantile, 2; Hypophosphatemic nephrolithiasis/osteoporosis 1. Review status: criteria provided, single submitter. Criteria: ACMG Guidelines, 2015. Collection method: clinical testing. Allele origin: germline.
Comment: Absent from controls (or at extremely low frequency if recessive) in Genome Aggregation Database.;Multiple lines of computational evidence support a deleterious effect on the gene or gene product.

NM_003052.5(SLC34A1):c.625G>T (p.Asp209Tyr)

Gene: SLC34A1 (solute carrier family 34 member 1; plus strand). Cytogenetic location: 5q35.3.
Variant type: single nucleotide variant.
Coding change: c.625G>T on transcript NM_003052.5 (MANE Select); coding-DNA position 625, G replaced by T.
Protein change: p.Asp209Tyr; replaces aspartic acid 209 with tyrosine.
Molecular consequence: missense variant.
Genome position (GRCh38, 1-based): chr5:177,387,854, G>T. VCF-style: chr5-177387854-G-T. GRCh37 (hg19) VCF-style: chr5-176814855-G-T.
Other names: c.625G>T, p.Asp209Tyr (NM_001167579.2); short protein forms D209Y.
Identifiers: ClinVar variation 1018684 (VCV001018684.10), dbSNP rs199847351, ClinGen allele CA3580456.